The following is an entry in ClinVar:

ClinVar aggregate classification (germline): Benign. Review status: criteria provided, multiple submitters, no conflicts (2 of 4 stars). 8 submissions from 8 submitters: Benign (5). 3 of the submissions do not count toward it. Last evaluated 2026-02-04.

Conditions:
Retinal dystrophy. Also called: Inherited retinal dystrophy. Identifiers: Orphanet 71862, MedGen C0854723, MeSH D058499, MONDO:0019118, HP:0000556.
Bardet-Biedl syndrome (BBS). Identifiers: Orphanet 110, MedGen C0752166, MONDO:0015229.
Bardet-Biedl syndrome 2 (BBS2). Identifiers: Orphanet 110, MedGen C2936863, MONDO:0014432, OMIM 615981.

Allele frequency attached by ClinVar (database versions not stated): ESP Exome Variant Server 0.00023; gnomAD 0.00113 and 0.00308; TOPMed 0.00181; 1000 Genomes Project 0.01737; 1000 Genomes Project 30x 0.01749.
gnomAD v4.1: 6,024 of 1,614,146 alleles (0.37%); highest among the groups gnomAD compares: South Asian, 5%; 182 homozygotes.

Submissions (17):

Labcorp Genetics (formerly Invitae), Labcorp
Classification: Benign for Bardet-Biedl syndrome. Last evaluated: 2026-02-04. Review status: criteria provided, single submitter. Criteria: Invitae Variant Classification Sherloc (09022015). Collection method: clinical testing. Allele origin: germline.

Dept Of Ophthalmology, Nagoya University
Classification: Benign for Retinal dystrophy. Last evaluated: 2023-10-01. Review status: criteria provided, single submitter. Criteria: Submitter's publication. Collection method: research. Allele origin: germline. Affected: yes.

Mayo Clinic Laboratories, Mayo Clinic
Classification: Benign. Last evaluated: 2023-04-17. Review status: criteria provided, single submitter. Criteria: ACMG Guidelines, 2015. Collection method: clinical testing. Allele origin: germline. Observed: 1 variant allele.

Illumina Laboratory Services, Illumina
Classification: Benign for Bardet-Biedl syndrome 2. Last evaluated: 2018-01-12. Review status: criteria provided, single submitter. Criteria: ICSL Variant Classification Criteria 13 December 2019. Collection method: clinical testing. Allele origin: germline.
Comment: This variant was observed in the ICSL laboratory as part of a predisposition screen in an ostensibly healthy population. It had not been previously curated by ICSL or reported in the Human Gene Mutation Database (HGMD: prior to June 1st, 2018), and was therefore a candidate for classification through an automated scoring system. Utilizing variant allele frequency, disease prevalence and penetrance estimates, and inheritance mode, an automated score was calculated to assess if this variant is too frequent to cause the disease. Based on the score and internal cut-off values, a variant classified as benign is not then subjected to further curation. The score for this variant resulted in a classification of benign for this disease.

Breakthrough Genomics
Classification: Benign. Review status: criteria provided, single submitter. Criteria: ACMG Guidelines, 2015. Collection method: not provided. Allele origin: germline. Inheritance: Autosomal recessive inheritance. Affected: yes.

Natera, Inc.
Classification: Benign for Bardet-Biedl syndrome type 2. Last evaluated: 2020-09-16. Review status: no assertion criteria provided. Collection method: clinical testing. Allele origin: germline. Not counted in ClinVar's aggregate classification.

Dr. Peter K. Rogan Lab, Western University
No classification provided (evidence only). Condition: Hepatocellular carcinoma. Review status: no classification provided. Collection method: in vitro. Allele origin: not applicable. Functional consequence: retained intron. Not counted in ClinVar's aggregate classification.

Dr. Peter K. Rogan Lab, Western University
No classification provided (evidence only). Condition: Hepatocellular carcinoma. Review status: no classification provided. Collection method: in vitro. Allele origin: not applicable. Functional consequence: retained intron. Not counted in ClinVar's aggregate classification.

Dr. Peter K. Rogan Lab, Western University
No classification provided (evidence only). Condition: Ovarian serous cystadenocarcinoma. Review status: no classification provided. Collection method: in vitro. Allele origin: not applicable. Functional consequence: retained intron. Not counted in ClinVar's aggregate classification.

Dr. Peter K. Rogan Lab, Western University
No classification provided (evidence only). Condition: Ovarian serous cystadenocarcinoma. Review status: no classification provided. Collection method: in vitro. Allele origin: not applicable. Functional consequence: retained intron. Not counted in ClinVar's aggregate classification.

Dr. Peter K. Rogan Lab, Western University
No classification provided (evidence only). Condition: Gastric cancer. Review status: no classification provided. Collection method: in vitro. Allele origin: not applicable. Functional consequence: retained intron. Not counted in ClinVar's aggregate classification.

Dr. Peter K. Rogan Lab, Western University
No classification provided (evidence only). Condition: Gastric cancer. Review status: no classification provided. Collection method: in vitro. Allele origin: not applicable. Functional consequence: retained intron. Not counted in ClinVar's aggregate classification.

Dr. Peter K. Rogan Lab, Western University
No classification provided (evidence only). Condition: Gastric cancer. Review status: no classification provided. Collection method: in vitro. Allele origin: not applicable. Functional consequence: retained intron. Not counted in ClinVar's aggregate classification.

Dr. Peter K. Rogan Lab, Western University
No classification provided (evidence only). Condition: Gastric cancer. Review status: no classification provided. Collection method: in vitro. Allele origin: not applicable. Functional consequence: retained intron. Not counted in ClinVar's aggregate classification.

Dr. Peter K. Rogan Lab, Western University
No classification provided (evidence only). Condition: Malignant tumor of esophagus. Review status: no classification provided. Collection method: in vitro. Allele origin: not applicable. Functional consequence: retained intron. Not counted in ClinVar's aggregate classification.

Genome Diagnostics Laboratory, Amsterdam University Medical Center
Classification: Benign. Review status: no assertion criteria provided. Collection method: clinical testing. Allele origin: germline. Affected: yes. Study: VKGL Data-share Consensus. Not counted in ClinVar's aggregate classification.

Genome Diagnostics Laboratory, University Medical Center Utrecht
Classification: Likely benign. Review status: no assertion criteria provided. Collection method: clinical testing. Allele origin: germline. Affected: yes. Study: VKGL Data-share Consensus. Not counted in ClinVar's aggregate classification.

NM_031885.5(BBS2):c.865A>G (p.Ile289Val)

Gene: BBS2 (Bardet-Biedl syndrome 2; minus strand). Cytogenetic location: 16q13.
Variant type: single nucleotide variant.
Coding change: c.865A>G on transcript NM_031885.5 (MANE Select); coding-DNA position 865, A replaced by G.
Protein change: p.Ile289Val; replaces isoleucine 289 with valine.
Molecular consequence: missense variant. On other transcripts: non-coding transcript variant (5).
Genome position (GRCh38, 1-based): chr16:56,502,748, T>C on the plus strand (A>G on the coding strand, the complement: BBS2 is on the minus strand). VCF-style: chr16-56502748-T-C. GRCh37 (hg19) VCF-style: chr16-56536660-T-C.
Other names: p.Ile289Val; c.865A>G, p.Ile289Val (NM_001377456.1); short protein forms I289V.
Identifiers: ClinVar variation 319861 (VCV000319861.23), dbSNP rs150384293, ClinGen allele CA8065898.